The following is an entry in ClinVar:

ClinVar aggregate classification (germline): Benign. Review status: criteria provided, multiple submitters, no conflicts (2 of 4 stars). 4 submissions from 4 submitters: Benign (4). Last evaluated 2023-11-12.

Conditions:
Combined immunodeficiency due to DOCK8 deficiency (HIES2). Also called: Hyper-IgE recurrent infection syndrome, autosomal recessive; HYPER-IgE SYNDROME 2, AUTOSOMAL RECESSIVE, WITH RECURRENT INFECTIONS; HIES autosomal recessive; HYPER-IgE RECURRENT INFECTION SYNDROME 2, AUTOSOMAL RECESSIVE; DOCK8 Deficiency. Identifiers: Orphanet 217390, MedGen C4722305, MONDO:0009478, OMIM 243700.

Allele frequency attached by ClinVar (database versions not stated): ESP Exome Variant Server 0.51139; TOPMed 0.53217; gnomAD 0.53910 and 0.54965; 1000 Genomes Project 30x 0.55684; 1000 Genomes Project 0.56889; ExAC 0.64461; gnomAD exomes 0.64784.
gnomAD v4.1: 952,798 of 1,521,876 alleles (63%); highest among the groups gnomAD compares: East Asian, 81%; 304,425 homozygotes.

Submissions (4):

Unidad de Genómica Garrahan, Hospital de Pediatría Garrahan
Classification: Benign. Last evaluated: 2023-11-12. Review status: criteria provided, single submitter. Criteria: ACMG Guidelines, 2015. Collection method: clinical testing. Allele origin: germline. Affected: no. Observed: 82 variant alleles.
Comment: This variant is classified as Benign based on local population frequency. This variant was detected in 85% of patients studied by a panel of primary immunodeficiencies. Number of patients: 82. Only high quality variants are reported.

Genome-Nilou Lab
Classification: Benign for Combined immunodeficiency due to DOCK8 deficiency. Last evaluated: 2021-07-14. Review status: criteria provided, single submitter. Criteria: ACMG Guidelines, 2015. Collection method: clinical testing. Allele origin: germline. Affected: no.

GeneDx
Classification: Benign. Last evaluated: 2018-06-26. Review status: criteria provided, single submitter. Criteria: GeneDx Variant Classification Process June 2021. Collection method: clinical testing. Allele origin: germline. Affected: yes.

Breakthrough Genomics
Classification: Benign. Review status: criteria provided, single submitter. Criteria: ACMG Guidelines, 2015. Collection method: not provided. Allele origin: germline. Inheritance: Autosomal recessive inheritance. Affected: yes.

NM_203447.4(DOCK8):c.2206-48A>G

Gene: DOCK8 (dedicator of cytokinesis 8; plus strand). Cytogenetic location: 9p24.3.
Variant type: single nucleotide variant.
Coding change: c.2206-48A>G on transcript NM_203447.4 (MANE Select); 48 bases into the intron before coding-DNA position 2206, A replaced by G.
Molecular consequence: intron variant.
Genome position (GRCh38, 1-based): chr9:376,929, A>G. VCF-style: chr9-376929-A-G. GRCh37 (hg19) VCF-style: chr9-376929-A-G.
Other names: c.2002-48A>G (NM_001193536.2, NM_001190458.2).
Identifiers: ClinVar variation 1185503 (VCV001185503.6), dbSNP rs7020921, ClinGen allele CA4958128.
Genomic context (GRCh38, chr9:376,929, plus strand): 5'-GCTGGATAAGAGGTTCTACCCATAAAGAGCTATTCGATTGTGTTTGTGAATCCACTGGTG[A>G]ACATTGATGGTATAAAACCCCATGAGGCCTGCCTTCTCCCTTCGCAGGACAACCACCTGG-3'